The following is an entry in ClinVar:

NM_002691.4(POLD1):c.713C>A (p.Thr238Lys)

Gene: POLD1 (DNA polymerase delta 1, catalytic subunit; plus strand). Cytogenetic location: 19q13.33.
Variant type: single nucleotide variant.
Coding change: c.713C>A on transcript NM_002691.4 (MANE Select); coding-DNA position 713, C replaced by A.
Protein change: p.Thr238Lys; replaces threonine 238 with lysine.
Molecular consequence: missense variant. On other transcripts: non-coding transcript variant (1).
Genome position (GRCh38, 1-based): chr19:50,402,328, C>A. VCF-style: chr19-50402328-C-A. GRCh37 (hg19) VCF-style: chr19-50905585-C-A.
Other names: c.713C>A, p.Thr238Lys (NM_001256849.1, NM_001308632.1); short protein forms T238K.
Identifiers: ClinVar variation 3781391 (VCV003781391.1).

ClinVar aggregate classification (germline): Uncertain significance (1 of 4 stars; one submission).

Conditions:
Hereditary cancer-predisposing syndrome. Also called: Neoplastic Syndromes, Hereditary; Hereditary Cancer Syndrome; Tumor predisposition; Hereditary neoplastic syndrome. Identifiers: Orphanet 140162, MedGen C0027672, MeSH D009386, MONDO:0015356.

Submission:

Ambry Genetics
Classification: Uncertain significance for Hereditary cancer-predisposing syndrome. Last evaluated: 2025-01-17. Review status: criteria provided, single submitter. Criteria: Ambry Variant Classification Scheme 2023. Collection method: clinical testing. Allele origin: germline.
Comment: The p.T238K variant (also known as c.713C>A), located in coding exon 5 of the POLD1 gene, results from a C to A substitution at nucleotide position 713. The threonine at codon 238 is replaced by lysine, an amino acid with similar properties. This amino acid position is conserved. In addition, this alteration is predicted to be tolerated by in silico analysis. Based on the available evidence, the clinical significance of this variant remains unclear.